The following is an entry in ClinVar:

NM_001999.4(FBN2):c.5551A>G (p.Ile1851Val)

Gene: FBN2 (fibrillin 2; minus strand). Cytogenetic location: 5q23.3.
Variant type: single nucleotide variant.
Coding change: c.5551A>G on transcript NM_001999.4 (MANE Select); coding-DNA position 5551, A replaced by G.
Protein change: p.Ile1851Val; replaces isoleucine 1851 with valine.
Molecular consequence: missense variant.
Genome position (GRCh38, 1-based): chr5:128,305,634, T>C on the plus strand (A>G on the coding strand, the complement: FBN2 is on the minus strand). VCF-style: chr5-128305634-T-C. GRCh37 (hg19) VCF-style: chr5-127641326-T-C.
Other names: short protein forms I1851V.
Identifiers: ClinVar variation 940262 (VCV000940262.11), dbSNP rs779901706, ClinGen allele CA3394666.

ClinVar aggregate classification (germline): Uncertain significance. Review status: criteria provided, multiple submitters, no conflicts (2 of 4 stars). 2 submissions from 2 submitters: Uncertain significance (2). Last evaluated 2025-07-07.

Conditions:
Familial thoracic aortic aneurysm and aortic dissection (TAAD). Also called: Thoracic aortic aneurysms and dissections. Identifiers: Orphanet 91387, MedGen C4707243, MONDO:0019625.
Congenital contractural arachnodactyly (CCA). Also called: Beals-Hecht syndrome; BEALS SYNDROME; Arthrogryposis, distal, type 9. Identifiers: Orphanet 115, MedGen C0220668, MONDO:0007363, OMIM 121050.

Allele frequency attached by ClinVar (database versions not stated): gnomAD exomes 0.00001 and 0.00003; gnomAD 0.00002 and 0.00003; ExAC 0.00003; TOPMed 0.00005.
gnomAD v4.1: 21 of 1,613,908 alleles (0.0013%); highest among the groups gnomAD compares: Admixed American, 0.015%; no homozygotes.

Submissions (2):

Ambry Genetics
Classification: Uncertain significance for Familial thoracic aortic aneurysm and aortic dissection. Last evaluated: 2025-07-07. Review status: criteria provided, single submitter. Criteria: Ambry Variant Classification Scheme 2023. Collection method: clinical testing. Allele origin: germline.
Comment: The p.I1851V variant (also known as c.5551A>G), located in coding exon 44 of the FBN2 gene, results from an A to G substitution at nucleotide position 5551. The isoleucine at codon 1851 is replaced by valine, an amino acid with highly similar properties. This amino acid position is highly conserved in available vertebrate species. In addition, the in silico prediction for this alteration is inconclusive. Based on the available evidence, the clinical significance of this variant remains unclear.

Labcorp Genetics (formerly Invitae), Labcorp
Classification: Uncertain significance for Congenital contractural arachnodactyly. Last evaluated: 2024-12-19. Review status: criteria provided, single submitter. Criteria: Invitae Variant Classification Sherloc (09022015). Collection method: clinical testing. Allele origin: germline.
Comment: This sequence change replaces isoleucine, which is neutral and non-polar, with valine, which is neutral and non-polar, at codon 1851 of the FBN2 protein (p.Ile1851Val). This variant is present in population databases (rs779901706, gnomAD 0.02%). This variant has not been reported in the literature in individuals affected with FBN2-related conditions. ClinVar contains an entry for this variant (Variation ID: 940262). An algorithm developed to predict the effect of missense changes on protein structure and function (PolyPhen-2) suggests that this variant is likely to be tolerated. In summary, the available evidence is currently insufficient to determine the role of this variant in disease. Therefore, it has been classified as a Variant of Uncertain Significance.